The following is an entry in ClinVar:

ClinVar aggregate classification (germline): Likely pathogenic. Review status: reviewed by expert panel (3 of 4 stars). 3 submissions from 3 submitters: Likely pathogenic (1). 2 of the submissions do not count toward it. Last evaluated 2025-02-04.

Conditions:
von Willebrand disease type 2N (VWD2N). Identifiers: Orphanet 166093, MedGen C1282975, MONDO:0015631.

Submissions (3):

ClinGen von Willebrand Disease Variant Curation Expert Panel, ClinGen
Classification: Likely pathogenic for von Willebrand disease type 2N. Last evaluated: 2025-02-04. Review status: reviewed by expert panel. Criteria: ClinGen VWD 2N Rules. Collection method: curation. Allele origin: germline. Inheritance: Autosomal recessive inheritance.
Comment: The NM_000552.5(VWF):c.2411G>T (p.Cys804Phe) missense variant is absent from gnomAD v4.1 (PM2_Supporting). The computational predictor REVEL gives a score of 0.935, which is above the ClinGen VWD VCEP threshold of >0.644 and predicts a damaging effect on VWF function (PP3). Factor VIII binding assay performed with the C804F recombinant mutant showed severely impaired binding indicating that this variant has a damaging effect on protein function (PMID: 15461624; PS3). At least 1 patient (Patient B) with this variant displayed excessive mucocutaneous bleeding as well as low FVIII activity (20 IU/dl) and dramatically decreased VWF:FVIII binding, which is highly specific for VWD type 2N. (PP4_moderate, PMID:15213842). Patient B (PMID: 15461624) is compound heterozygous for R854Q (classified Pathogenic by the VWD VCEP; PM3_supporting). In summary, this variant meets the criteria to be classified as Likely Pathogenic for von Willebrand disease type 2N. ACMG/AMP criteria applied as specified by the ClinGen von Willebrand disease Variant Curation Expert Panel: PM2_supporting, PP3, PM3_supporting, PP4_moderate, PS3.

OMIM
Classification: Pathogenic for VON WILLEBRAND DISEASE, TYPE 2N. Last evaluated: 2004-10-01. Review status: no assertion criteria provided. Collection method: literature only. Allele origin: germline. Not counted in ClinVar's aggregate classification.

Academic Unit of Haematology, University of Sheffield
No classification provided. Review status: no classification provided. Collection method: not provided. Allele origin: not provided. Not counted in ClinVar's aggregate classification.

Literature cited by the submitters: PubMed 15461624 (cited by ClinGen von Willebrand Disease Variant Curation Expert Panel, ClinGen and OMIM).

NM_000552.5(VWF):c.2411G>T (p.Cys804Phe)

Gene: VWF (von Willebrand factor; minus strand). Cytogenetic location: 12p13.31.
Variant type: single nucleotide variant.
Coding change: c.2411G>T on transcript NM_000552.5 (MANE Select); coding-DNA position 2411, G replaced by T.
Protein change: p.Cys804Phe; replaces cysteine 804 with phenylalanine.
Molecular consequence: missense variant.
Genome position (GRCh38, 1-based): chr12:6,044,322, C>A on the plus strand (G>T on the coding strand, the complement: VWF is on the minus strand). VCF-style: chr12-6044322-C-A. GRCh37 (hg19) VCF-style: chr12-6153488-C-A.
Other names: NM_000552.5(VWF):c.2411G>T; p.Cys804Phe; short protein forms C804F.
Identifiers: ClinVar variation 313 (VCV000000313.2), dbSNP rs62643630, ClinGen allele CA114168.